The following is an entry in ClinVar:

ClinVar aggregate classification (germline): Uncertain significance (1 of 4 stars; one submission).

Conditions:
Hereditary spastic paraplegia 39 (SPG39). Also called: SPASTIC PARAPLEGIA 39, AUTOSOMAL RECESSIVE; Spastic Paraplegia Type 39 (SPG39). Identifiers: Orphanet 139480, MedGen C2677586, MONDO:0012787, OMIM 612020.

Submission:

Labcorp Genetics (formerly Invitae), Labcorp
Classification: Uncertain significance for Hereditary spastic paraplegia 39. Last evaluated: 2022-01-28. Review status: criteria provided, single submitter. Criteria: Invitae Variant Classification Sherloc (09022015). Collection method: clinical testing. Allele origin: germline.
Comment: This sequence change falls in intron 26 of the PNPLA6 gene. It does not directly change the encoded amino acid sequence of the PNPLA6 protein. This variant is present in population databases (no rsID available, gnomAD 0.01%). This variant has not been reported in the literature in individuals affected with PNPLA6-related conditions. Algorithms developed to predict the effect of sequence changes on RNA splicing suggest that this variant may create or strengthen a splice site. In summary, the available evidence is currently insufficient to determine the role of this variant in disease. Therefore, it has been classified as a Variant of Uncertain Significance.

NM_001166114.2(PNPLA6):c.2934_2936+13dup

Gene: PNPLA6 (patatin like domain 6, lysophospholipase; plus strand). Cytogenetic location: 19p13.2.
Variant type: Duplication.
Coding change: c.2934_2936+13dup on transcript NM_001166114.2 (MANE Select); coding-DNA position 2934 through 13 bases into the intron after coding-DNA position 2936, 16 bases duplicated (CAGGTGAGGGCGGGGC).
Molecular consequence: splice donor variant.
Genome position (GRCh38, 1-based): chr19:7,555,365-7,555,380, CAGGTGAGGGCGGGGC duplicated; duplicating any 16 consecutive bases within chr19:7,555,356-7,555,380 gives the same sequence; the c. name uses the placement nearest the transcript's 3' end. VCF-style (leftmost placement, unchanged base first): chr19-7555355-G-GGGGCGGGGCCAGGTGA. GRCh37 (hg19) VCF-style: chr19-7620241-G-GGGGCGGGGCCAGGTGA.
Other names: c.2820_2822+13dup (NM_006702.5, NM_001166113.1); c.2739_2741+13dup (NM_001166112.2); c.2964_2966+13dup (NM_001166111.2).
Identifiers: ClinVar variation 2197837 (VCV002197837.1), dbSNP rs1167314561, ClinGen allele CA631462685.
Genomic context (GRCh38, chr19:7,555,355, plus strand): 5'-GCGACTTCTCCCGCTTGGCGAGGGTGCTCACGGGGAACACCATTGCCCTTGTGCTAGGCG[G>GGGGCGGGGCCAGGTGA]GGGCGGGGCCAGGTGAGGGCGGGGCTTGCTCTCTGGGGGCGGGGCCTGGATGTCCGAGGG-3'